The following is an entry in ClinVar:

NM_000238.4(KCNH2):c.3100_3103dup (p.Arg1035fs)

Gene: KCNH2 (potassium voltage-gated channel subfamily H member 2; minus strand). Cytogenetic location: 7q36.1.
Variant type: Duplication.
Coding change: c.3100_3103dup on transcript NM_000238.4 (MANE Select); coding-DNA positions 3100 to 3103, 4 bases duplicated (CCCC; older notation c.3100_3103dupCCCC).
Protein change: p.Arg1035fs; shifts the reading frame from arginine 1035.
Molecular consequence: frameshift variant.
Genome position (GRCh38, 1-based): chr7:150,947,377-150,947,380, GGGG duplicated on the plus strand (CCCC on the coding strand, the reverse complement: KCNH2 is on the minus strand). VCF-style (leftmost placement, unchanged base first): chr7-150947376-C-CGGGG. GRCh37 (hg19) VCF-style: chr7-150644464-C-CGGGG.
Other names: c.2812_2815dup, p.Arg939Profs (NM_001406753.1); c.2080_2083dup, p.Arg695fs (NM_172057.3); short protein forms R1035fs, R695fs.
Identifiers: ClinVar variation 2012895 (VCV002012895.4), dbSNP rs794728468, ClinGen allele CA2580077707.

ClinVar aggregate classification (germline): Pathogenic (1 of 4 stars; one submission).

Conditions:
Long QT syndrome (LQTS). Identifiers: MedGen C0023976, MeSH D008133, MONDO:0002442. Disease mechanism: loss of function. Inheritance: Various modes of inheritance.

Submission:

Labcorp Genetics (formerly Invitae), Labcorp
Classification: Pathogenic for Long QT syndrome. Last evaluated: 2024-05-06. Review status: criteria provided, single submitter. Criteria: Invitae Variant Classification Sherloc (09022015). Collection method: clinical testing. Allele origin: germline.
Comment: This sequence change creates a premature translational stop signal (p.Arg1035Profs*85) in the KCNH2 gene. While this is not anticipated to result in nonsense mediated decay, it is expected to disrupt the last 125 amino acid(s) of the KCNH2 protein. This variant is not present in population databases (gnomAD no frequency). This variant has not been reported in the literature in individuals affected with KCNH2-related conditions. ClinVar contains an entry for this variant (Variation ID: 2012895). This variant disrupts a region of the KCNH2 protein in which other variant(s) (p.Pro1086Alafs*33) have been determined to be pathogenic (PMID: 19841300, 21483829; Invitae). This suggests that this is a clinically significant region of the protein, and that variants that disrupt it are likely to be disease-causing. For these reasons, this variant has been classified as Pathogenic.

Literature cited by the submitters: PubMed 19841300; PubMed 21483829.